The following is an entry in ClinVar:

ClinVar aggregate classification (germline): Likely benign (1 of 4 stars; one submission).

gnomAD v4.1: 24 of 1,551,664 alleles (0.0015%); highest among the groups gnomAD compares: Middle Eastern, 0.05%; no homozygotes.

Submission:

CeGaT Center for Human Genetics Tuebingen
Classification: Likely benign. Last evaluated: 2025-12-01. Review status: criteria provided, single submitter. Criteria: CeGaT Center For Human Genetics Tuebingen Variant Classification Criteria Version 2. Collection method: clinical testing. Allele origin: germline. Affected: yes. Observed: 2 variant alleles.
Comment: SETBP1: BP4

NM_015559.3(SETBP1):c.540+7346A>G

Gene: SETBP1 (SET binding protein 1; plus strand). Cytogenetic location: 18q12.3.
Variant type: single nucleotide variant.
Coding change: c.540+7346A>G on transcript NM_015559.3 (MANE Select); 7346 bases into the intron after coding-DNA position 540, A replaced by G.
Molecular consequence: intron variant. On other transcripts: missense variant (1).
Genome position (GRCh38, 1-based): chr18:44,876,629, A>G. VCF-style: chr18-44876629-A-G. GRCh37 (hg19) VCF-style: chr18-42456594-A-G.
Other names: c.605A>G, p.Lys202Arg (NM_001130110.2); c.540+7346A>G (NM_001379141.1, NM_001410862.1, NM_001379142.1); short protein forms K202R.
Identifiers: ClinVar variation 4084111 (VCV004084111.8).